The following is an entry in ClinVar:

ClinVar aggregate classification (germline): Uncertain significance. Review status: criteria provided, multiple submitters, no conflicts (2 of 4 stars). 3 submissions from 3 submitters: Uncertain significance (3). Last evaluated 2025-12-08.

Conditions:
Inborn genetic diseases. Identifiers: MedGen C0950123, MeSH D030342.
Epidermolysis bullosa simplex with nail dystrophy (EBS5D). Identifiers: MedGen C4225309, MONDO:0014661, OMIM 616487.
Epidermolysis bullosa simplex 5B, with muscular dystrophy (EBS5B). Also called: EPIDERMOLYSIS BULLOSA SIMPLEX AND LIMB-GIRDLE MUSCULAR DYSTROPHY; Epidermolysis bullosa simplex with muscular dystrophy. Identifiers: Orphanet 257, MedGen C2931072, MONDO:0009181, OMIM 226670.
Epidermolysis bullosa simplex, Ogna type (EBS5A). Also called: Pidermolysis bullosa simplex 5A, Ogna type; EPIDERMOLYSIS BULLOSA SIMPLEX 5A, OGNA TYPE. Identifiers: Orphanet 79401, MedGen C0432317, MONDO:0007555, OMIM 131950.
Junctional epidermolysis bullosa with pyloric atresia. Also called: APLASIA CUTIS CONGENITA WITH GASTROINTESTINAL ATRESIA; CARMI SYNDROME; EB-PA-ACC; ITGB4-Related Epidermolysis Bullosa with Pyloric Atresia; ITGA6-Related Epidermolysis Bullosa with Pyloric Atresia; Epidermolysis bullosa, junctional, with pyloric atresia and aplasia cutis congenita. Identifiers: Orphanet 79403, MedGen C5676875, MONDO:0009183, OMIM 226730.
Autosomal recessive limb-girdle muscular dystrophy type 2Q (LGMDR17). Also called: MUSCULAR DYSTROPHY, LIMB-GIRDLE, AUTOSOMAL RECESSIVE 17. Identifiers: Orphanet 254361, MedGen C3150989, MONDO:0013390, OMIM 613723.
Epidermolysis bullosa simplex 5C, with pyloric atresia (EBS5C). Also called: PLEC-Related Epidermolysis Bullosa with Pyloric Atresia; Epidermolysis bullosa simplex with pyloric atresia; PLEC1-Related Epidermolysis Bullosa with Pyloric Atresia. Identifiers: Orphanet 158684, MedGen C2677349, MONDO:0012807, OMIM 612138.

Allele frequency attached by ClinVar (database versions not stated): ExAC 0.00001; gnomAD 0.00001; gnomAD exomes 0.00002 and 0.00005; TOPMed 0.00003.

Submissions (3):

Labcorp Genetics (formerly Invitae), Labcorp
Classification: Uncertain significance for Autosomal recessive limb-girdle muscular dystrophy type 2Q; Epidermolysis bullosa simplex, Ogna type; Epidermolysis bullosa simplex with nail dystrophy; Epidermolysis bullosa simplex 5C, with pyloric atresia; Epidermolysis bullosa simplex 5B, with muscular dystrophy. Last evaluated: 2025-12-08. Review status: criteria provided, single submitter. Criteria: Invitae Variant Classification Sherloc (09022015). Collection method: clinical testing. Allele origin: germline.
Comment: This sequence change replaces arginine, which is basic and polar, with tryptophan, which is neutral and slightly polar, at codon 3939 of the PLEC protein (p.Arg3939Trp). This variant is present in population databases (rs782136681, gnomAD 0.003%). This variant has not been reported in the literature in individuals affected with PLEC-related conditions. ClinVar contains an entry for this variant (Variation ID: 538928). Invitae Evidence Modeling of protein sequence and biophysical properties (such as structural, functional, and spatial information, amino acid conservation, physicochemical variation, residue mobility, and thermodynamic stability) has been performed for this missense variant. However, the output from this modeling did not meet the statistical confidence thresholds required to predict the impact of this variant on PLEC protein function. In summary, the available evidence is currently insufficient to determine the role of this variant in disease. Therefore, it has been classified as a Variant of Uncertain Significance.

Ambry Genetics
Classification: Uncertain significance for Inborn genetic diseases. Last evaluated: 2022-01-04. Review status: criteria provided, single submitter. Criteria: Ambry Variant Classification Scheme 2023. Collection method: clinical testing. Allele origin: germline.

Department of Pathology and Laboratory Medicine, Sinai Health System
Classification: Uncertain significance for Epidermolysis bullosa simplex, Ogna type; Epidermolysis bullosa simplex 5B, with muscular dystrophy; Junctional epidermolysis bullosa with pyloric atresia; Epidermolysis bullosa simplex 5C, with pyloric atresia; Autosomal recessive limb-girdle muscular dystrophy type 2Q; Epidermolysis bullosa simplex with nail dystrophy. Last evaluated: 2020-08-19. Review status: criteria provided, single submitter. Criteria: ACMG Guidelines, 2015. Collection method: research. Allele origin: germline.

NM_201384.3(PLEC):c.11734C>T (p.Arg3912Trp)

Gene: PLEC (plectin; minus strand). Cytogenetic location: 8q24.3.
Variant type: single nucleotide variant.
Coding change: c.11734C>T on transcript NM_201384.3 (MANE Select); coding-DNA position 11734, C replaced by T.
Protein change: p.Arg3912Trp; replaces arginine 3912 with tryptophan.
Molecular consequence: missense variant.
Genome position (GRCh38, 1-based): chr8:143,918,087, G>A on the plus strand (C>T on the coding strand, the complement: PLEC is on the minus strand). VCF-style: chr8-143918087-G-A. GRCh37 (hg19) VCF-style: chr8-144992255-G-A.
Other names: c.11815C>T (NM_000445.3); c.11815C>T, p.Arg3939Trp (NM_000445.5); c.11692C>T, p.Arg3898Trp (NM_201378.4); c.11668C>T, p.Arg3890Trp (NM_201379.3); c.12145C>T, p.Arg4049Trp (NM_201380.4); c.11638C>T, p.Arg3880Trp (NM_201381.3); c.11734C>T, p.Arg3912Trp (NM_201382.4); c.11746C>T, p.Arg3916Trp (NM_201383.3); short protein forms R3890W, R3912W, R4049W, R3898W, R3916W, R3939W, R3880W.
Identifiers: ClinVar variation 538928 (VCV000538928.10), dbSNP rs782136681, ClinGen allele CA4924259.
Genomic context (GRCh38, chr8:143,918,087, plus strand): 5'-TGCCTTCCAGGAACTTCTGCAAGTTCTTGGTGACCTCCTCGATGGAGGTCAGGCCCTCCC[G>A]CAGCTGCAGCGCCGTGGCCTCGTCCATGACCTGCGAGCGCACCAGCTCCTCCATGGTGAT-3'
Protein context (NP_958786.1, residues 3902-3922): VMDEATALQL[Arg3912Trp]EGLTSIEEVT